The following is an entry in ClinVar:

NM_013382.7(POMT2):c.640A>C (p.Asn214His)

Gene: POMT2 (protein O-mannosyltransferase 2; minus strand). Cytogenetic location: 14q24.3.
Variant type: single nucleotide variant.
Coding change: c.640A>C on transcript NM_013382.7 (MANE Select); coding-DNA position 640, A replaced by C.
Protein change: p.Asn214His; replaces asparagine 214 with histidine.
Molecular consequence: missense variant.
Genome position (GRCh38, 1-based): chr14:77,302,851, T>G on the plus strand (A>C on the coding strand, the complement: POMT2 is on the minus strand). VCF-style: chr14-77302851-T-G. GRCh37 (hg19) VCF-style: chr14-77769194-T-G.
Other names: short protein forms N214H.
Identifiers: ClinVar variation 582532 (VCV000582532.51), dbSNP rs376485603, ClinGen allele CA7286142.

ClinVar aggregate classification (germline): Uncertain significance. Review status: criteria provided, multiple submitters, no conflicts (2 of 4 stars). 5 submissions from 5 submitters: Uncertain significance (5). Last evaluated 2024-10-07.

Conditions:
Inborn genetic diseases. Identifiers: MedGen C0950123, MeSH D030342.
Muscular dystrophy-dystroglycanopathy (congenital with brain and eye anomalies), type A2. Also called: WALKER-WARBURG SYNDROME OR MUSCLE-EYE-BRAIN DISEASE, POMT2-RELATED; MUSCULAR DYSTROPHY-DYSTROGLYCANOPATHY (CONGENITAL WITH BRAIN AND EYE ANOMALIES), TYPE A, 2. Identifiers: Orphanet 588, Orphanet 899, MedGen C3150411, MONDO:0013154, OMIM 613150.
Muscular dystrophy-dystroglycanopathy (congenital with impaired intellectual development), type B, 2. Also called: Muscular dystrophy-dystroglycanopathy (congenital with intellectual disability), type B2; MUSCULAR DYSTROPHY, CONGENITAL, POMT2-RELATED. Identifiers: MedGen C3150416, MONDO:0013160, OMIM 613156.
Autosomal recessive limb-girdle muscular dystrophy type 2N. Also called: MUSCULAR DYSTROPHY-DYSTROGLYCANOPATHY, LIMB-GIRDLE, POMT2-RELATED; Muscular dystrophy-dystroglycanopathy (limb-girdle), type C, 2. Identifiers: Orphanet 206559, MedGen C3150418, MONDO:0013162, OMIM 613158.

Allele frequency attached by ClinVar (database versions not stated): ExAC 0.00004; gnomAD 0.00006 and 0.00007; gnomAD exomes 0.00005 and 0.00006; ESP Exome Variant Server 0.00008; TOPMed 0.00007.
gnomAD v4.1: 85 of 1,612,534 alleles (0.0053%); highest among the groups gnomAD compares: Non-Finnish European, 0.0068%; no homozygotes.

Submissions (5):

Ambry Genetics
Classification: Uncertain significance for Inborn genetic diseases. Last evaluated: 2024-10-07. Review status: criteria provided, single submitter. Criteria: Ambry Variant Classification Scheme 2023. Collection method: clinical testing. Allele origin: germline.

Revvity Omics, Revvity
Classification: Uncertain significance. Last evaluated: 2024-08-27. Review status: criteria provided, single submitter. Criteria: ACMG Guidelines, 2015. Collection method: clinical testing. Allele origin: germline.

Labcorp Genetics (formerly Invitae), Labcorp
Classification: Uncertain significance for Muscular dystrophy-dystroglycanopathy (congenital with impaired intellectual development), type B, 2; Muscular dystrophy-dystroglycanopathy (congenital with brain and eye anomalies), type A2; Autosomal recessive limb-girdle muscular dystrophy type 2N. Last evaluated: 2024-01-12. Review status: criteria provided, single submitter. Criteria: Invitae Variant Classification Sherloc (09022015). Collection method: clinical testing. Allele origin: germline.
Comment: This sequence change replaces asparagine, which is neutral and polar, with histidine, which is basic and polar, at codon 214 of the POMT2 protein (p.Asn214His). This variant is present in population databases (rs376485603, gnomAD 0.02%). This variant has not been reported in the literature in individuals affected with POMT2-related conditions. ClinVar contains an entry for this variant (Variation ID: 582532). Advanced modeling of protein sequence and biophysical properties (such as structural, functional, and spatial information, amino acid conservation, physicochemical variation, residue mobility, and thermodynamic stability) performed at Invitae indicates that this missense variant is not expected to disrupt POMT2 protein function with a negative predictive value of 95%. In summary, the available evidence is currently insufficient to determine the role of this variant in disease. Therefore, it has been classified as a Variant of Uncertain Significance.

GeneDx
Classification: Uncertain significance. Last evaluated: 2020-04-07. Review status: criteria provided, single submitter. Criteria: GeneDx Variant Classification Process June 2021. Collection method: clinical testing. Allele origin: germline. Affected: yes.
Comment: In silico analysis, which includes protein predictors and evolutionary conservation, supports that this variant does not alter protein structure/function; Has not been previously published as pathogenic or benign to our knowledge

CeGaT Center for Human Genetics Tuebingen
Classification: Uncertain significance. Last evaluated: 2020-03-01. Review status: criteria provided, single submitter. Criteria: CeGaT Center For Human Genetics Tuebingen Variant Classification Criteria Version 2. Collection method: clinical testing. Allele origin: germline. Affected: yes. Observed: 1 variant allele.